The following is an entry in ClinVar:

NC_000008.10:g.(19316154_19362711)_(19363642_19448670)del

Gene: CSGALNACT1 (chondroitin sulfate N-acetylgalactosaminyltransferase 1; minus strand). Cytogenetic location: 8p21.3.
Variant type: Deletion.
Identifiers: ClinVar variation 4849108 (VCV004849108.1).

ClinVar aggregate classification (germline): Pathogenic (1 of 4 stars; one submission).

Conditions:
Skeletal dysplasia, mild, with joint laxity and advanced bone age. Identifiers: MedGen C5394341, MONDO:0030029, OMIM 618870.

Submission:

Women's Health and Genetics/Laboratory Corporation of America, LabCorp
Classification: Pathogenic for Skeletal dysplasia, mild, with joint laxity and advanced bone age. Last evaluated: 2026-04-24. Review status: criteria provided, single submitter. Criteria: LabCorp Variant Classification Summary - May 2015. Collection method: clinical testing. Allele origin: germline.
Comment: Variant summary: The variant involves the deletion of exon 4 in the CSGALNACT1 gene. A presumed nomenclature of c.(-297+1_-296-1)_(634+1_635-1)del has been designated for the purposes of this classification. The exact breakpoint at the 5' end of this variant is unknown, therefore this deletion may extend upstream of the annotated region of this gene. Although the exact breakpoints of this deletion are not known, it is predicted to remove the initiation codon and result in an absence of protein or a truncation of the encoded protein due to translation initiation at a downstream site. Loss-of-function variants in this gene are known to be pathogenic. The variant allele was found at a frequency of 9.2e-05 in 21694 control chromosomes. c.(-297+1_-296-1)_(634+1_635-1)del has been observed in at least one individual affected with Skeletal Dysplasia, Mild, With Joint Laxity And Advanced Bone Age. To our knowledge, no experimental evidence demonstrating an impact on protein function has been reported. The following publication have been ascertained in the context of this evaluation (PMID: 31705726). No submitters have cited clinical-significance assessments for this variant to ClinVar. Based on the evidence outlined above, the variant was classified as pathogenic.

Literature cited by the submitters: PubMed 31705726.